The following is an entry in ClinVar:

NM_025114.4(CEP290):c.5390A>C (p.Asn1797Thr)

Gene: CEP290 (centrosomal protein 290; minus strand). Cytogenetic location: 12q21.32.
Variant type: single nucleotide variant.
Coding change: c.5390A>C on transcript NM_025114.4 (MANE Select); coding-DNA position 5390, A replaced by C.
Protein change: p.Asn1797Thr; replaces asparagine 1797 with threonine.
Molecular consequence: missense variant.
Genome position (GRCh38, 1-based): chr12:88,077,893, T>G on the plus strand (A>C on the coding strand, the complement: CEP290 is on the minus strand). VCF-style: chr12-88077893-T-G. GRCh37 (hg19) VCF-style: chr12-88471670-T-G.
Other names: short protein forms N1797T.
Identifiers: ClinVar variation 4983467 (VCV004983467.1).

ClinVar aggregate classification (germline): Uncertain significance (1 of 4 stars; one submission).

Conditions:
CEP290-related disorder. Also called: CEP290-related condition; CEP290-related disorders. Identifiers: MedGen CN239314.

gnomAD v4.1: 1 of 1,355,658 alleles (0.000074%); highest among the groups gnomAD compares: Admixed American, 0.0027%; no homozygotes.

Submission:

PreventionGenetics, part of Exact Sciences
Classification: Uncertain significance for CEP290-related condition. Last evaluated: 2025-01-19. Review status: criteria provided, single submitter. Criteria: ACMG Guidelines, 2015. Collection method: clinical testing. Allele origin: germline.
Comment: The CEP290 c.5390A>C variant is predicted to result in the amino acid substitution p.Asn1797Thr. To our knowledge, this variant has not been reported in the literature. This variant is reported in 0.0079% of alleles in individuals of Latino descent in gnomAD. At this time, the clinical significance of this variant is uncertain due to the absence of conclusive functional and genetic evidence.